The following is an entry in ClinVar:

ClinVar aggregate classification (germline): Likely pathogenic (1 of 4 stars; one submission).

Conditions:
Charcot-Marie-Tooth disease type 2. Also called: Charcot-Marie-Tooth type 2. Identifiers: Orphanet 64746, MedGen C0270914, MONDO:0018993.

Submission:

Labcorp Genetics (formerly Invitae), Labcorp
Classification: Likely pathogenic for Charcot-Marie-Tooth disease type 2. Last evaluated: 2023-07-20. Review status: criteria provided, single submitter. Criteria: Invitae Variant Classification Sherloc (09022015). Collection method: clinical testing. Allele origin: germline.
Comment: In summary, the currently available evidence indicates that the variant is pathogenic, but additional data are needed to prove that conclusively. Therefore, this variant has been classified as Likely Pathogenic. This sequence change replaces alanine, which is neutral and non-polar, with glutamic acid, which is acidic and polar, at codon 242 of the LMNA protein (p.Ala242Glu). This variant is not present in population databases (gnomAD no frequency). This variant has not been reported in the literature in individuals affected with LMNA-related conditions. Advanced modeling of protein sequence and biophysical properties (such as structural, functional, and spatial information, amino acid conservation, physicochemical variation, residue mobility, and thermodynamic stability) performed at Invitae indicates that this missense variant is expected to disrupt LMNA protein function. This variant disrupts the p.Ala242 amino acid residue in LMNA. Other variant(s) that disrupt this residue have been determined to be pathogenic (PMID: 30765282, 35526016). This suggests that this residue is clinically significant, and that variants that disrupt this residue are likely to be disease-causing.

Literature cited by the submitters: PubMed 30765282; PubMed 35526016.

NM_170707.4(LMNA):c.725C>A (p.Ala242Glu)

Gene: LMNA (lamin A/C; plus strand). Cytogenetic location: 1q22.
Variant type: single nucleotide variant.
Coding change: c.725C>A on transcript NM_170707.4 (MANE Select); coding-DNA position 725, C replaced by A.
Protein change: p.Ala242Glu; replaces alanine 242 with glutamic acid.
Molecular consequence: missense variant. On other transcripts: synonymous variant (4).
Genome position (GRCh38, 1-based): chr1:156,134,890, C>A. VCF-style: chr1-156134890-C-A. GRCh37 (hg19) VCF-style: chr1-156104681-C-A.
Other names: c.389C>A, p.Ala130Glu (NM_001257374.3, NM_001406998.1, NM_001406989.1); c.482C>A, p.Ala161Glu (NM_001282624.2, NM_001406986.1, NM_001406987.1); c.725C>A, p.Ala242Glu (NM_001282625.2, NM_001282626.2, NM_001406983.1 and 6 more transcripts); c.61C>A, p.Arg21= (NM_001406999.1, NM_001407000.1, NM_001407001.1 and 1 more transcripts); c.167C>A, p.Ala56Glu (NM_001407002.1, NM_001407003.1, NM_001406990.1 and 4 more transcripts); c.428C>A, p.Ala143Glu (NM_001406988.1); short protein forms A242E, A130E, A143E, A56E, A161E.
Identifiers: ClinVar variation 2776047 (VCV002776047.3), dbSNP rs397517906, ClinGen allele CA342817275.